The following is an entry in ClinVar:

NC_012920.1(MT-ND4):m.12074A>C

Gene: MT-ND4 (mitochondrially encoded NADH dehydrogenase 4; plus strand).
Variant type: single nucleotide variant.
Genome position: chrM-12074-A-C.
Identifiers: ClinVar variation 693408 (VCV000693408.1), dbSNP rs1603223534, ClinGen allele CA414812379.

ClinVar aggregate classification (germline): Likely benign (1 of 4 stars; one submission).

Conditions:
Leigh syndrome (NULS). Also called: Leigh's necrotizing encephalopathy; Leigh's disease; Leigh Syndrome (mtDNA deletion); Leigh Disease; Subacute necrotizing encephalopathy; Necrotizing encephalopathy infantile subacute of Leigh. Identifiers: Orphanet 506, MedGen C2931891, MONDO:0009723, OMIM 256000.

Submission:

Wong Mito Lab, Molecular and Human Genetics, Baylor College of Medicine
Classification: Likely benign for Leigh syndrome. Last evaluated: 2019-10-17. Review status: criteria provided, single submitter. Criteria: Modified ACMG Guidelines (Unpublished). Collection method: clinical testing. Allele origin: germline.
Comment: The NC_012920.1:m.12074A>C (YP_003024035.1:p.Met439Leu) variant in MTND4 gene is interpretated to be a Likely Benign variant based on the modified ACMG guidelines (unpublished). This variant meets the following evidence codes: BS4, BP4